The following is an entry in ClinVar:

ClinVar aggregate classification (germline): Pathogenic (1 of 4 stars; one submission).

Conditions:
Primary ciliary dyskinesia. Also called: Ciliary dyskinesia. Identifiers: Orphanet 244, MedGen C0008780, MONDO:0016575, HP:0012265.

Submission:

Labcorp Genetics (formerly Invitae), Labcorp
Classification: Pathogenic for Primary ciliary dyskinesia. Last evaluated: 2021-11-02. Review status: criteria provided, single submitter. Criteria: Invitae Variant Classification Sherloc (09022015). Collection method: clinical testing. Allele origin: germline.
Comment: For these reasons, this variant has been classified as Pathogenic. This variant has not been reported in the literature in individuals affected with DNAH5-related conditions. This variant is a gross deletion of the genomic region encompassing exon(s) 53 of the DNAH5 gene. This deletion is out-of-frame, and is expected to create a premature termination codon and result in an absent or disrupted protein product. Loss-of-function variants in DNAH5 are known to be pathogenic (PMID: 11788826, 16627867).

Literature cited by the submitters: PubMed 11788826; PubMed 16627867.

NC_000005.9:g.(?_13780928)_(13781078_?)del

Gene: DNAH5 (dynein axonemal heavy chain 5; minus strand). Cytogenetic location: 5p15.2.
Variant type: Deletion.
Identifiers: ClinVar variation 2424136 (VCV002424136.12).